The following is an entry in ClinVar:

NM_020738.4(KIDINS220):c.2714G>A (p.Arg905Gln)

Gene: KIDINS220 (kinase D interacting substrate 220; minus strand). Cytogenetic location: 2p25.1.
Variant type: single nucleotide variant.
Coding change: c.2714G>A on transcript NM_020738.4 (MANE Select); coding-DNA position 2714, G replaced by A.
Protein change: p.Arg905Gln; replaces arginine 905 with glutamine.
Molecular consequence: missense variant. On other transcripts: non-coding transcript variant (2).
Genome position (GRCh38, 1-based): chr2:8,776,882, C>T on the plus strand (G>A on the coding strand, the complement: KIDINS220 is on the minus strand). VCF-style: chr2-8776882-C-T. GRCh37 (hg19) VCF-style: chr2-8917012-C-T.
Other names: c.2717G>A, p.Arg906Gln (NM_001348729.2, NM_001348731.2, NM_001348734.2 and 3 more transcripts); c.2714G>A, p.Arg905Gln (NM_001348732.2, NM_001348735.2, NM_001348738.2 and 3 more transcripts); c.2588G>A, p.Arg863Gln (NM_001348736.2); short protein forms R905Q, R863Q, R906Q.
Identifiers: ClinVar variation 4982067 (VCV004982067.1).
Genomic context (GRCh38, chr2:8,776,882, plus strand): 5'-AGCAGTTTTGTAAGATCAAAGGACATCTGGCGAGTGATGGTCCTCTGCATCTGCCTTCTT[C>T]GGTAAGTGTCCTGAAACAGCACGTCGTCAGTGAGAAGGAACCCACGCGTCCAGTCTAAGA-3'
Protein context (NP_065789.1, residues 895-915): KTALNRRDTY[Arg905Gln]RRQMQRTITR

ClinVar aggregate classification (germline): Uncertain significance (1 of 4 stars; one submission).

Conditions:
KIDINS220-related disorder. Also called: KIDINS220-related condition.

gnomAD v4.1: 5 of 1,613,408 alleles (0.00031%); highest among the groups gnomAD compares: Non-Finnish European, 0.00042%; no homozygotes.

Submission:

PreventionGenetics, part of Exact Sciences
Classification: Uncertain significance for KIDINS220-related condition. Last evaluated: 2025-01-24. Review status: criteria provided, single submitter. Criteria: ACMG Guidelines, 2015. Collection method: clinical testing. Allele origin: germline.
Comment: The KIDINS220 c.2714G>A variant is predicted to result in the amino acid substitution p.Arg905Gln. To our knowledge, this variant has not been reported in the literature. This variant is reported in 0.0016% of alleles in individuals of European (Non-Finnish) descent in gnomAD. At this time, the clinical significance of this variant is uncertain due to the absence of conclusive functional and genetic evidence.